The following is an entry in ClinVar:

NM_022168.4(IFIH1):c.1827G>T (p.Glu609Asp)

Gene: IFIH1 (interferon induced with helicase C domain 1; minus strand). Cytogenetic location: 2q24.2.
Variant type: single nucleotide variant.
Coding change: c.1827G>T on transcript NM_022168.4 (MANE Select); coding-DNA position 1827, G replaced by T.
Protein change: p.Glu609Asp; replaces glutamic acid 609 with aspartic acid.
Molecular consequence: missense variant.
Genome position (GRCh38, 1-based): chr2:162,277,632, C>A on the plus strand (G>T on the coding strand, the complement: IFIH1 is on the minus strand). VCF-style: chr2-162277632-C-A. GRCh37 (hg19) VCF-style: chr2-163134142-C-A.
Other names: short protein forms E609D.
Identifiers: ClinVar variation 2628598 (VCV002628598.1), dbSNP rs769009487, ClinGen allele CA348999662.

ClinVar aggregate classification (germline): Uncertain significance (1 of 4 stars; one submission).

Conditions:
IFIH1-related disorder. Also called: IFIH1-related condition.

gnomAD v4.1: 2 of 1,613,058 alleles (0.00012%); no homozygotes.

Submission:

PreventionGenetics, part of Exact Sciences
Classification: Uncertain significance for IFIH1-related condition. Last evaluated: 2023-06-10. Review status: criteria provided, single submitter. Criteria: ACMG Guidelines, 2015. Collection method: clinical testing. Allele origin: germline.
Comment: The IFIH1 c.1827G>T variant is predicted to result in the amino acid substitution p.Glu609Asp. To our knowledge, this variant has not been reported in the literature or in a large population database, indicating this variant is rare. At this time, the clinical significance of this variant is uncertain due to the absence of conclusive functional and genetic evidence.